The following is an entry in ClinVar:

NM_004086.3(COCH):c.97A>G (p.Thr33Ala)

Genes: COCH (cochlin; plus strand), COCH-AS1 (COCH antisense RNA 1; minus strand). Cytogenetic location: 14q12.
Variant type: single nucleotide variant.
Coding change: c.97A>G on transcript NM_004086.3 (MANE Select); coding-DNA position 97, A replaced by G.
Protein change: p.Thr33Ala; replaces threonine 33 with alanine.
Molecular consequence: missense variant.
Genome position (GRCh38, 1-based): chr14:30,877,586, A>G. VCF-style: chr14-30877586-A-G. GRCh37 (hg19) VCF-style: chr14-31346792-A-G.
Other names: c.97A>G, p.Thr33Ala (NM_001135058.2); c.292A>G, p.Thr98Ala (NM_001347720.2); short protein forms T33A, T98A.
Identifiers: ClinVar variation 3393637 (VCV003393637.2).

ClinVar aggregate classification (germline): Uncertain significance. Review status: criteria provided, multiple submitters, no conflicts (2 of 4 stars). 2 submissions from 2 submitters: Uncertain significance (2). Last evaluated 2025-07-10.

gnomAD v4.1: 2 of 1,614,176 alleles (0.00012%); highest among the groups gnomAD compares: Non-Finnish European, 0.000085%; no homozygotes.

Submissions (2):

Labcorp Genetics (formerly Invitae), Labcorp
Classification: Uncertain significance. Last evaluated: 2025-07-10. Review status: criteria provided, single submitter. Criteria: Invitae Variant Classification Sherloc (09022015). Collection method: clinical testing. Allele origin: germline.
Comment: This sequence change replaces threonine, which is neutral and polar, with alanine, which is neutral and non-polar, at codon 33 of the COCH protein (p.Thr33Ala). This variant is not present in population databases (gnomAD no frequency). This variant has not been reported in the literature in individuals affected with COCH-related conditions. ClinVar contains an entry for this variant (Variation ID: 3393637). Invitae Evidence Modeling of protein sequence and biophysical properties (such as structural, functional, and spatial information, amino acid conservation, physicochemical variation, residue mobility, and thermodynamic stability) indicates that this missense variant is not expected to disrupt COCH protein function with a negative predictive value of 95%. In summary, the available evidence is currently insufficient to determine the role of this variant in disease. Therefore, it has been classified as a Variant of Uncertain Significance.

GeneDx
Classification: Uncertain significance. Last evaluated: 2024-07-03. Review status: criteria provided, single submitter. Criteria: GeneDx Variant Classification Process June 2021. Collection method: clinical testing. Allele origin: germline. Affected: yes.
Comment: Not observed at significant frequency in large population cohorts (gnomAD); In silico analysis indicates that this missense variant does not alter protein structure/function; Has not been previously published as pathogenic or benign to our knowledge